The following is an entry in ClinVar:

ClinVar aggregate classification (germline): Uncertain significance. Review status: criteria provided, multiple submitters, no conflicts (2 of 4 stars). 2 submissions from 2 submitters: Uncertain significance (2). Last evaluated 2024-02-09.

Conditions:
Idiopathic generalized epilepsy. Also called: EIG; Generalised epilepsy. Identifiers: MedGen C0270850, MONDO:0005579, OMIM 600669.
Hyperaldosteronism, familial, type IV (HALD4). Also called: FH IV; ALDOSTERONISM, PRIMARY, AND HYPERTENSION. Identifiers: Orphanet 642671, MedGen C4310756, MONDO:0014875, OMIM 617027.
Epilepsy, childhood absence, susceptibility to, 6. Identifiers: Orphanet 64280, MedGen C2749872, MONDO:0012763, OMIM 611942.

Submissions (2):

Fulgent Genetics
Classification: Uncertain significance for Epilepsy, childhood absence, susceptibility to, 6; Hyperaldosteronism, familial, type IV. Last evaluated: 2024-02-09. Review status: criteria provided, single submitter. Criteria: ACMG Guidelines, 2015. Collection method: clinical testing. Allele origin: germline.

Labcorp Genetics (formerly Invitae), Labcorp
Classification: Uncertain significance for Idiopathic generalized epilepsy; Hyperaldosteronism, familial, type IV. Last evaluated: 2021-04-09. Review status: criteria provided, single submitter. Criteria: Invitae Variant Classification Sherloc (09022015). Collection method: clinical testing. Allele origin: germline.
Comment: The frequency data for this variant in the population databases is not available, as this variant may be reported as separate entries in the ExAC database. In summary, the available evidence is currently insufficient to determine the role of this variant in disease. Therefore, it has been classified as a Variant of Uncertain Significance. Algorithms developed to predict the effect of missense changes on protein structure and function are either unavailable or do not agree on the potential impact of this missense change (SIFT: "Not Available"; PolyPhen-2: "Benign"; Align-GVGD: "Not Available"). This variant has not been reported in the literature in individuals with CACNA1H-related conditions. This sequence change replaces proline with leucine at codon 2048 of the CACNA1H protein (p.Pro2048Leu). The proline residue is weakly conserved and there is a moderate physicochemical difference between proline and leucine.

NM_021098.3(CACNA1H):c.6143_6144delinsTT (p.Pro2048Leu)

Gene: CACNA1H (calcium voltage-gated channel subunit alpha1 H; plus strand). Cytogenetic location: 16p13.3.
Variant type: Indel.
Coding change: c.6143_6144delinsTT on transcript NM_021098.3 (MANE Select); coding-DNA positions 6143 to 6144, CG replaced by TT.
Protein change: p.Pro2048Leu; replaces proline 2048 with leucine.
Molecular consequence: missense variant.
Genome position (GRCh38, 1-based): chr16:1,220,075-1,220,076, CG replaced by TT. VCF-style: chr16-1220075-CG-TT. GRCh37 (hg19) VCF-style: chr16-1270075-CG-TT.
Other names: c.6125_6126delinsTT, p.Pro2042Leu (NM_001005407.2); short protein forms P2048L, P2042L.
Identifiers: ClinVar variation 1360220 (VCV001360220.7), dbSNP rs2141406634, ClinGen allele CA2573151699.